The following is an entry in ClinVar:

NM_006565.4(CTCF):c.2140G>A (p.Gly714Arg)

Gene: CTCF (CCCTC-binding factor; plus strand). Cytogenetic location: 16q22.1.
Variant type: single nucleotide variant.
Coding change: c.2140G>A on transcript NM_006565.4 (MANE Select); coding-DNA position 2140, G replaced by A.
Protein change: p.Gly714Arg; replaces glycine 714 with arginine.
Molecular consequence: missense variant.
Genome position (GRCh38, 1-based): chr16:67,637,828, G>A. VCF-style: chr16-67637828-G-A. GRCh37 (hg19) VCF-style: chr16-67671731-G-A.
Other names: c.1156G>A, p.Gly386Arg (NM_001191022.2); c.2134G>A, p.Gly712Arg (NM_001363916.2); c.2140G>A (NM_006565.3); short protein forms G386R, G712R, G714R.
Identifiers: ClinVar variation 3338518 (VCV003338518.2).

ClinVar aggregate classification (germline): Uncertain significance. Review status: criteria provided, multiple submitters, no conflicts (2 of 4 stars). 2 submissions from 2 submitters: Uncertain significance (2). Last evaluated 2026-04-13.

Conditions:
CTCF-related disorder. Also called: CTCF-related condition. Identifiers: MedGen CN381101.

gnomAD v4.1: 1 of 1,612,654 alleles (0.000062%); highest among the groups gnomAD compares: Admixed American, 0.0017%; no homozygotes.

Submissions (2):

PreventionGenetics, part of Exact Sciences
Classification: Uncertain significance for CTCF-related condition. Last evaluated: 2026-04-13. Review status: criteria provided, single submitter. Criteria: ACMG Guidelines, 2015. Collection method: clinical testing. Allele origin: germline.
Comment: The CTCF c.2140G>A variant is predicted to result in the amino acid substitution p.Gly714Arg. To our knowledge, this variant has not been reported in the literature. This variant is reported in 0.0029% of alleles in individuals of Latino descent in gnomAD. At this time, the clinical significance of this variant is uncertain due to the absence of conclusive functional and genetic evidence.

Greenwood Genetic Center Diagnostic Laboratories, Greenwood Genetic Center
Classification: Uncertain significance. Last evaluated: 2024-05-21. Review status: criteria provided, single submitter. Criteria: ACMG Guidelines, 2015. Collection method: clinical testing. Allele origin: germline. Affected: yes.
Comment: PM2, BP4, PP2